The following is an entry in ClinVar:

ClinVar aggregate classification (germline): Pathogenic (1 of 4 stars; one submission).

gnomAD v4.1: 1 of 703,310 alleles (0.00014%); no homozygotes.

Submission:

Labcorp Genetics (formerly Invitae), Labcorp
Classification: Pathogenic. Last evaluated: 2023-11-17. Review status: criteria provided, single submitter. Criteria: Invitae Variant Classification Sherloc (09022015). Collection method: clinical testing. Allele origin: germline.
Comment: This sequence change affects a donor splice site in intron 19 of the LOXHD1 gene. It is expected to disrupt RNA splicing. Variants that disrupt the donor or acceptor splice site typically lead to a loss of protein function (PMID: 16199547), and loss-of-function variants in LOXHD1 are known to be pathogenic (PMID: 19732867, 21465660, 25792669). This variant is not present in population databases (gnomAD no frequency). Disruption of this splice site has been observed in individual(s) with deafness (PMID: 28000701, 29676012). In at least one individual the data is consistent with being in trans (on the opposite chromosome) from a pathogenic variant. ClinVar contains an entry for this variant (Variation ID: 2027333). Algorithms developed to predict the effect of sequence changes on RNA splicing suggest that this variant may disrupt the consensus splice site. For these reasons, this variant has been classified as Pathogenic.

Literature cited by the submitters: PubMed 16199547; PubMed 19732867; PubMed 21465660; PubMed 25792669; PubMed 28000701; PubMed 29676012.

NM_001384474.1(LOXHD1):c.3061+1G>C

Gene: LOXHD1 (lipoxygenase homology PLAT domains 1; minus strand). Cytogenetic location: 18q21.1.
Variant type: single nucleotide variant.
Coding change: c.3061+1G>C on transcript NM_001384474.1 (MANE Select); the canonical splice donor site of the intron after coding-DNA position 3061, G replaced by C.
Molecular consequence: splice donor variant.
Genome position (GRCh38, 1-based): chr18:46,560,082, C>G on the plus strand (G>C on the coding strand, the complement: LOXHD1 is on the minus strand). VCF-style: chr18-46560082-C-G. GRCh37 (hg19) VCF-style: chr18-44140045-C-G.
Other names: c.3061+1G>C (NM_144612.7).
Identifiers: ClinVar variation 2027333 (VCV002027333.4), dbSNP rs537227442, ClinGen allele CA402369651.